The following is an entry in ClinVar:

ClinVar aggregate classification (germline): Uncertain significance (1 of 4 stars; one submission).

Submission:

GeneDx
Classification: Uncertain significance. Last evaluated: 2021-10-25. Review status: criteria provided, single submitter. Criteria: GeneDx Variant Classification Process June 2021. Collection method: clinical testing. Allele origin: germline. Affected: yes.
Comment: Not observed at significant frequency in large population cohorts (Lek et al., 2016); In silico analysis supports that this missense variant does not alter protein structure/function; Has not been previously published as pathogenic or benign to our knowledge

NM_005816.5(CD96):c.422C>G (p.Thr141Arg)

Gene: CD96 (CD96 molecule; plus strand). Cytogenetic location: 3q13.13.
Variant type: single nucleotide variant.
Coding change: c.422C>G on transcript NM_005816.5 (MANE Select); coding-DNA position 422, C replaced by G.
Protein change: p.Thr141Arg; replaces threonine 141 with arginine.
Molecular consequence: missense variant. On other transcripts: non-coding transcript variant (1).
Genome position (GRCh38, 1-based): chr3:111,567,526, C>G. VCF-style: chr3-111567526-C-G. GRCh37 (hg19) VCF-style: chr3-111286373-C-G.
Other names: c.422C>G, p.Thr141Arg (NM_001318889.2, NM_198196.3); short protein forms T141R.
Identifiers: ClinVar variation 1315542 (VCV001315542.2), dbSNP rs1410223124, ClinGen allele CA353956740.